The following is an entry in ClinVar:

ClinVar aggregate classification (germline): Uncertain significance (1 of 4 stars; one submission).

Conditions:
Respiratory infections, recurrent, and failure to thrive with or without diarrhea (RIFTD). Identifiers: MedGen C5774306, MONDO:0859370, OMIM 620233.

Submission:

Neuberg Centre For Genomic Medicine, NCGM
Classification: Uncertain significance for Respiratory infections, recurrent, and failure to thrive with or without diarrhea. Last evaluated: 2023-05-20. Review status: criteria provided, single submitter. Criteria: ACMG Guidelines, 2015. Collection method: clinical testing. Allele origin: germline. Inheritance: Autosomal recessive inheritance. Affected: yes.
Comment: The observed frameshift variant c.94del(p.Asp32ThrfsTer41) in AGR2 gene has not been reported previously as a pathogenic variant nor as a benign variant, to our knowledge. The c.94del variant is absent in gnomAD Exomes. This variant causes a frameshift starting with codon Aspartic Acid 32, changes this amino acid to Threonine residue, and creates a premature Stop codon at position 41 of the new reading frame, denoted p.Asp32ThrfsTer41. However, loss of function (LoF) variants in AGR2 are ultrarare (Bertoli-Avella et al., 2022). For these reasons, this variant has been classified as Uncertain Significance.

NM_006408.4(AGR2):c.94del (p.Asp32fs)

Gene: AGR2 (anterior gradient 2, protein disulphide isomerase family member; minus strand). Cytogenetic location: 7p21.1.
Variant type: Deletion.
Coding change: c.94del on transcript NM_006408.4 (MANE Select); coding-DNA position 94, one base deleted (G; older notation c.94delG).
Protein change: p.Asp32fs; shifts the reading frame from aspartic acid 32.
Molecular consequence: frameshift variant.
Genome position (GRCh38, 1-based): chr7:16,801,703, C deleted on the plus strand (G on the coding strand, the reverse complement: AGR2 is on the minus strand); the first of 2 consecutive C bases (chr7:16,801,703-16,801,704); deleting either gives the same sequence. VCF-style (leftmost placement, unchanged base first): chr7-16801702-TC-T. GRCh37 (hg19) VCF-style: chr7-16841326-TC-T.
Other names: short protein forms D32fs.
Identifiers: ClinVar variation 3341362 (VCV003341362.1).